The following is an entry in ClinVar:

NM_016239.4(MYO15A):c.9180C>T (p.Ile3060=)

Gene: MYO15A (myosin XVA; plus strand). Cytogenetic location: 17p11.2.
Variant type: single nucleotide variant.
Coding change: c.9180C>T on transcript NM_016239.4 (MANE Select); coding-DNA position 9180, C replaced by T.
Protein change: p.Ile3060=; no amino-acid change (isoleucine 3060 retained).
Molecular consequence: synonymous variant.
Genome position (GRCh38, 1-based): chr17:18,159,298, C>T. VCF-style: chr17-18159298-C-T. GRCh37 (hg19) VCF-style: chr17-18062612-C-T.
Identifiers: ClinVar variation 517624 (VCV000517624.7), dbSNP rs968105343, ClinGen allele CA288415706.
Genomic context (GRCh38, chr17:18,159,298, plus strand): 5'-CCCTCCTCCATCATGACACAGCCCTCTTCCCCCACAGACTCCCCTCCAGGAATCCCTCAT[C>T]GAACTCAGCGACAGCAGCCTCAGCAAGATGGCCACCGACATGTTCCTAGGTGTGGGAGTG-3'
Protein context (NP_057323.3, residues 3050-3070): FTKTPLQESL[Ile3060=]ELSDSSLSKM

ClinVar aggregate classification (germline): Likely benign. Review status: criteria provided, multiple submitters, no conflicts (2 of 4 stars). 2 submissions from 2 submitters: Likely benign (2). Last evaluated 2024-01-04.

Allele frequency attached by ClinVar (database versions not stated): gnomAD 0.00001; gnomAD exomes 0.00001; TOPMed 0.00001.
gnomAD v4.1: 21 of 1,614,078 alleles (0.0013%); highest among the groups gnomAD compares: Admixed American, 0.0033%; no homozygotes.

Submissions (2):

Labcorp Genetics (formerly Invitae), Labcorp
Classification: Likely benign. Last evaluated: 2024-01-04. Review status: criteria provided, single submitter. Criteria: Invitae Variant Classification Sherloc (09022015). Collection method: clinical testing. Allele origin: germline.

Laboratory for Molecular Medicine, Mass General Brigham Personalized Medicine
Classification: Likely benign. Last evaluated: 2017-10-24. Review status: criteria provided, single submitter. Criteria: LMM Criteria. Collection method: clinical testing. Allele origin: germline. Observed: 1 variant allele.
Comment: p.Ile3060Ile in exon 54 of MYO15A: This variant is not expected to have clinical significance because it does not alter an amino acid residue and is not located within the splice consensus sequence. This variant has been identified in 2/111 712 European chromosomes by the Genome Aggregation Database (gnomAD; dbSNP rs968105343).